The following is an entry in ClinVar:

NM_000171.4(GLRA1):c.611T>C (p.Val204Ala)

Gene: GLRA1 (glycine receptor alpha 1; minus strand). Cytogenetic location: 5q33.1.
Variant type: single nucleotide variant.
Coding change: c.611T>C on transcript NM_000171.4 (MANE Select); coding-DNA position 611, T replaced by C.
Protein change: p.Val204Ala; replaces valine 204 with alanine.
Molecular consequence: missense variant.
Genome position (GRCh38, 1-based): chr5:151,855,126, A>G on the plus strand (T>C on the coding strand, the complement: GLRA1 is on the minus strand). VCF-style: chr5-151855126-A-G. GRCh37 (hg19) VCF-style: chr5-151234687-A-G.
Other names: c.611T>C, p.Val204Ala (NM_001146040.2); c.362T>C, p.Val121Ala (NM_001292000.2); short protein forms V121A, V204A.
Identifiers: ClinVar variation 5020760 (VCV005020760.1).

ClinVar aggregate classification (germline): Uncertain significance (1 of 4 stars; one submission).

gnomAD v4.1: 1 of 1,613,906 alleles (0.000062%); highest among the groups gnomAD compares: Non-Finnish European, 0.000085%; no homozygotes.

Submission:

Dasa
Classification: Uncertain significance. Last evaluated: 2025-12-15. Review status: criteria provided, single submitter. Criteria: DASA Assertion Criteria. Collection method: clinical testing. Allele origin: germline.
Comment: NM_000171.4(GLRA1):c.611T>C (p.Val204Ala) is a missense variant that results in the substitution of valine with alanine. This variant is rare in population databases. Computational prediction algorithms are consistent with a deleterious effect. The currently available literature and clinical evidence are not sufficient to establish a definitive association between this variant and the reported condition. Therefore, this variant is classified as a variant of uncertain significance.